The following is an entry in ClinVar:

ClinVar aggregate classification (germline): Uncertain significance (1 of 4 stars; one submission).

Allele frequency attached by ClinVar (database versions not stated): gnomAD exomes below 0.00001.
gnomAD v4.1: 1 of 1,545,674 alleles (0.000065%); highest among the groups gnomAD compares: Non-Finnish European, 0.000087%; no homozygotes.

Submission:

Labcorp Genetics (formerly Invitae), Labcorp
Classification: Uncertain significance. Last evaluated: 2020-07-21. Review status: criteria provided, single submitter. Criteria: Invitae Variant Classification Sherloc (09022015). Collection method: clinical testing. Allele origin: germline.
Comment: In summary, the available evidence is currently insufficient to determine the role of this variant in disease. Therefore, it has been classified as a Variant of Uncertain Significance. Algorithms developed to predict the effect of missense changes on protein structure and function are either unavailable or do not agree on the potential impact of this missense change (SIFT: "Deleterious"; PolyPhen-2: "Benign"; Align-GVGD: "Class C0"). This variant has not been reported in the literature in individuals with RIMS1-related conditions. The frequency data for this variant in the population databases is considered unreliable, as metrics indicate insufficient coverage at this position in the ExAC database. This sequence change replaces arginine with glycine at codon 437 of the RIMS1 protein (p.Arg437Gly). The arginine residue is highly conserved and there is a moderate physicochemical difference between arginine and glycine.

NM_014989.7(RIMS1):c.1309A>G (p.Arg437Gly)

Gene: RIMS1 (regulating synaptic membrane exocytosis 1; plus strand). Cytogenetic location: 6q13.
Variant type: single nucleotide variant.
Coding change: c.1309A>G on transcript NM_014989.7 (MANE Select); coding-DNA position 1309, A replaced by G.
Protein change: p.Arg437Gly; replaces arginine 437 with glycine.
Molecular consequence: missense variant.
Genome position (GRCh38, 1-based): chr6:72,182,780, A>G. VCF-style: chr6-72182780-A-G. GRCh37 (hg19) VCF-style: chr6-72892483-A-G.
Other names: short protein forms R437G.
Identifiers: ClinVar variation 1041075 (VCV001041075.8), dbSNP rs2048549775, ClinGen allele CA364820820.